The following is an entry in ClinVar:

ClinVar aggregate classification (germline): Uncertain significance (1 of 4 stars; one submission).

gnomAD v4.1: 1 of 1,612,328 alleles (0.000062%); highest among the groups gnomAD compares: Non-Finnish European, 0.000085%; no homozygotes.

Submission:

GeneDx
Classification: Uncertain significance. Last evaluated: 2024-11-25. Review status: criteria provided, single submitter. Criteria: GeneDx Variant Classification Process June 2021. Collection method: clinical testing. Allele origin: germline. Affected: yes.
Comment: Not observed at significant frequency in large population cohorts (gnomAD); In silico analysis supports that this missense variant has a deleterious effect on protein structure/function; Has not been previously published as pathogenic or benign to our knowledge

NM_003482.4(KMT2D):c.12941C>T (p.Pro4314Leu)

Gene: KMT2D (lysine methyltransferase 2D; minus strand). Cytogenetic location: 12q13.12.
Variant type: single nucleotide variant.
Coding change: c.12941C>T on transcript NM_003482.4 (MANE Select); coding-DNA position 12941, C replaced by T.
Protein change: p.Pro4314Leu; replaces proline 4314 with leucine.
Molecular consequence: missense variant.
Genome position (GRCh38, 1-based): chr12:49,031,764, G>A on the plus strand (C>T on the coding strand, the complement: KMT2D is on the minus strand). VCF-style: chr12-49031764-G-A. GRCh37 (hg19) VCF-style: chr12-49425547-G-A.
Other names: short protein forms P4314L.
Identifiers: ClinVar variation 3900178 (VCV003900178.1).